The following is an entry in ClinVar:

ClinVar aggregate classification (germline): Uncertain significance (1 of 4 stars; one submission).

Conditions:
Familial hemiplegic migraine. Identifiers: MedGen C0338484, MONDO:0000700.

Submission:

Labcorp Genetics (formerly Invitae), Labcorp
Classification: Uncertain significance for Familial hemiplegic migraine. Last evaluated: 2021-07-11. Review status: criteria provided, single submitter. Criteria: Invitae Variant Classification Sherloc (09022015). Collection method: clinical testing. Allele origin: germline.
Comment: This variant is not present in population databases (ExAC no frequency). This variant has not been reported in the literature in individuals affected with ATP1A2-related conditions. Advanced modeling of protein sequence and biophysical properties (such as structural, functional, and spatial information, amino acid conservation, physicochemical variation, residue mobility, and thermodynamic stability) performed at Invitae indicates that this missense variant is not expected to disrupt ATP1A2 protein function. This sequence change replaces glutamic acid with glycine at codon 494 of the ATP1A2 protein (p.Glu494Gly). The glutamic acid residue is highly conserved and there is a moderate physicochemical difference between glutamic acid and glycine. In summary, the available evidence is currently insufficient to determine the role of this variant in disease. Therefore, it has been classified as a Variant of Uncertain Significance.

NM_000702.4(ATP1A2):c.1481A>G (p.Glu494Gly)

Gene: ATP1A2 (ATPase Na+/K+ transporting subunit alpha 2; plus strand). Cytogenetic location: 1q23.2.
Variant type: single nucleotide variant.
Coding change: c.1481A>G on transcript NM_000702.4 (MANE Select); coding-DNA position 1481, A replaced by G.
Protein change: p.Glu494Gly; replaces glutamic acid 494 with glycine.
Molecular consequence: missense variant.
Genome position (GRCh38, 1-based): chr1:160,130,121, A>G. VCF-style: chr1-160130121-A-G. GRCh37 (hg19) VCF-style: chr1-160099911-A-G.
Other names: short protein forms E494G.
Identifiers: ClinVar variation 1504500 (VCV001504500.8), dbSNP rs2101990357, ClinGen allele CA343242859.